The following is an entry in ClinVar:

ClinVar aggregate classification (germline): Benign. Review status: criteria provided, multiple submitters, no conflicts (2 of 4 stars). 2 submissions from 2 submitters: Benign (2). Last evaluated 2018-01-12.

Conditions:
Hepatic methionine adenosyltransferase deficiency. Also called: MAT I/III DEFICIENCY; Methionine adenosyltransferase deficiency; Deficiency of methionine adenosyltransferase; Isolated Persistent Hypermethioninemia. Identifiers: Orphanet 168598, MedGen C0268621, MeSH C564683, MONDO:0009607, OMIM 250850.

Allele frequency attached by ClinVar (database versions not stated): gnomAD 0.34331 and 0.35572; gnomAD exomes 0.25000; TOPMed 0.35429; 1000 Genomes Project 30x 0.48860; 1000 Genomes Project 0.49820.
gnomAD v4.1: 54,078 of 152,072 alleles (36%); highest among the groups gnomAD compares: East Asian, 95%; 10,751 homozygotes.

Submissions (2):

Illumina Laboratory Services, Illumina
Classification: Benign for Hepatic methionine adenosyltransferase deficiency. Last evaluated: 2018-01-12. Review status: criteria provided, single submitter. Criteria: ICSL Variant Classification Criteria 13 December 2019. Collection method: clinical testing. Allele origin: germline.
Comment: This variant was observed in the ICSL laboratory as part of a predisposition screen in an ostensibly healthy population. It had not been previously curated by ICSL or reported in the Human Gene Mutation Database (HGMD: prior to June 1st, 2018), and was therefore a candidate for classification through an automated scoring system. Utilizing variant allele frequency, disease prevalence and penetrance estimates, and inheritance mode, an automated score was calculated to assess if this variant is too frequent to cause the disease. Based on the score and internal cut-off values, a variant classified as benign is not then subjected to further curation. The score for this variant resulted in a classification of benign for this disease.

Breakthrough Genomics
Classification: Benign. Review status: criteria provided, single submitter. Criteria: ACMG Guidelines, 2015. Collection method: not provided. Allele origin: germline. Inheritance: Autosomal dominant inheritance. Affected: yes.

NM_000429.3(MAT1A):c.*1297T>C

Gene: MAT1A (methionine adenosyltransferase 1A; minus strand). Cytogenetic location: 10q22.3.
Variant type: single nucleotide variant.
Coding change: c.*1297T>C on transcript NM_000429.3 (MANE Select); 1297 bases downstream of the stop codon, T replaced by C.
Molecular consequence: 3 prime UTR variant.
Genome position (GRCh38, 1-based): chr10:80,272,484, A>G on the plus strand (T>C on the coding strand, the complement: MAT1A is on the minus strand). VCF-style: chr10-80272484-A-G. GRCh37 (hg19) VCF-style: chr10-82032240-A-G.
Identifiers: ClinVar variation 301155 (VCV000301155.6), dbSNP rs1985908, ClinGen allele CA10632455.
Genomic context (GRCh38, chr10:80,272,484, plus strand): 5'-CTCCCCAGACAGTCACCTGGCAAAGGCAGAATCTCCTCATGACGTCTCAGAAGCTTGTCC[A>G]ACACCAGAAGGCAAGCCCCGCCTATTTAACATGAGGCCATAGGACCAGCCTCCCTGGATC-3'